The following is an entry in ClinVar:

NC_000019.10:g.39480807G>A

Gene: TIMM50 (translocase of inner mitochondrial membrane 50; plus strand). Cytogenetic location: 19q13.2.
Variant type: single nucleotide variant.
Genome position: GRCh38 VCF-style: chr19-39480807-G-A. GRCh37 (hg19) VCF-style: chr19-39971447-G-A.
Identifiers: ClinVar variation 3702193 (VCV003702193.3).

ClinVar aggregate classification (germline): Uncertain significance. Review status: criteria provided, multiple submitters, no conflicts (2 of 4 stars). 2 submissions from 2 submitters: Uncertain significance (2). Last evaluated 2025-02-18.

Conditions:
Inborn genetic diseases. Identifiers: MedGen C0950123, MeSH D030342.

Submissions (2):

Ambry Genetics
Classification: Uncertain significance for Inborn genetic diseases. Last evaluated: 2025-02-18. Review status: criteria provided, single submitter. Criteria: Ambry Variant Classification Scheme 2023. Collection method: clinical testing. Allele origin: germline.

Labcorp Genetics (formerly Invitae), Labcorp
Classification: Uncertain significance. Last evaluated: 2024-12-19. Review status: criteria provided, single submitter. Criteria: Invitae Variant Classification Sherloc (09022015). Collection method: clinical testing. Allele origin: germline.
Comment: This sequence change replaces arginine, which is basic and polar, with glutamine, which is neutral and polar, at codon 88 of the TIMM50 protein (p.Arg88Gln). This variant is present in population databases (rs574246446, gnomAD 0.08%). This variant has not been reported in the literature in individuals affected with TIMM50-related conditions. An algorithm developed to predict the effect of missense changes on protein structure and function outputs the following: PolyPhen-2: "Benign". The glutamine amino acid residue is found in multiple mammalian species, which suggests that this missense change does not adversely affect protein function. In summary, the available evidence is currently insufficient to determine the role of this variant in disease. Therefore, it has been classified as a Variant of Uncertain Significance.